The following is an entry in ClinVar:

NM_000051.4(ATM):c.29T>C (p.Ile10Thr)

Gene: ATM (ATM serine/threonine kinase; plus strand). Cytogenetic location: 11q22.3.
Variant type: single nucleotide variant.
Coding change: c.29T>C on transcript NM_000051.4 (MANE Select); coding-DNA position 29, T replaced by C.
Protein change: p.Ile10Thr; replaces isoleucine 10 with threonine.
Molecular consequence: missense variant.
Genome position (GRCh38, 1-based): chr11:108,227,653, T>C. VCF-style: chr11-108227653-T-C. GRCh37 (hg19) VCF-style: chr11-108098380-T-C.
Other names: c.29T>C, p.Ile10Thr (NM_001351834.2, NM_001351835.2, NM_001351836.2); c.29T>C (NM_000051.3); short protein forms I10T.
Identifiers: ClinVar variation 1348074 (VCV001348074.10), dbSNP rs2135004898, ClinGen allele CA382519052.

ClinVar aggregate classification (germline): Conflicting classifications of pathogenicity. Review status: criteria provided, conflicting classifications (1 of 4 stars). 2 submissions from 2 submitters: Uncertain significance (1); Likely benign (1). Last evaluated 2025-10-29.

Conditions:
Hereditary cancer-predisposing syndrome. Also called: Hereditary Cancer Syndrome; Neoplastic Syndromes, Hereditary; Tumor predisposition; Hereditary neoplastic syndrome. Identifiers: Orphanet 140162, MedGen C0027672, MeSH D009386, MONDO:0015356.
Ataxia-telangiectasia syndrome (AT). Also called: Ataxia-telangiectasia, complementation group D; ATAXIA-TELANGIECTASIA, COMPLEMENTATION GROUP A; ATAXIA-TELANGIECTASIA, FRESNO VARIANT; Ataxia-telangiectasia, complementation group E; Cerebello-oculocutaneous telangiectasia; Immunodeficiency with ataxia telangiectasia. Identifiers: Orphanet 100, MedGen C0004135, MONDO:0008840, OMIM 208900.

Allele frequency attached by ClinVar (database versions not stated): gnomAD exomes below 0.00001.
gnomAD v4.1: 1 of 1,613,874 alleles (0.000062%); highest among the groups gnomAD compares: Non-Finnish European, 0.000085%; no homozygotes.

Submissions (2):

Ambry Genetics
Classification: Likely benign for Hereditary cancer-predisposing syndrome. Last evaluated: 2025-10-29. Review status: criteria provided, single submitter. Criteria: Ambry Variant Classification Scheme 2023. Collection method: clinical testing. Allele origin: germline.

Labcorp Genetics (formerly Invitae), Labcorp
Classification: Uncertain significance for Ataxia-telangiectasia syndrome. Last evaluated: 2023-10-27. Review status: criteria provided, single submitter. Criteria: Invitae Variant Classification Sherloc (09022015). Collection method: clinical testing. Allele origin: germline.
Comment: This sequence change replaces isoleucine, which is neutral and non-polar, with threonine, which is neutral and polar, at codon 10 of the ATM protein (p.Ile10Thr). This variant is not present in population databases (gnomAD no frequency). This variant has not been reported in the literature in individuals affected with ATM-related conditions. ClinVar contains an entry for this variant (Variation ID: 1348074). Advanced modeling of protein sequence and biophysical properties (such as structural, functional, and spatial information, amino acid conservation, physicochemical variation, residue mobility, and thermodynamic stability) performed at Invitae indicates that this missense variant is not expected to disrupt ATM protein function with a negative predictive value of 95%. In summary, the available evidence is currently insufficient to determine the role of this variant in disease. Therefore, it has been classified as a Variant of Uncertain Significance.

Literature cited by the submitters: PubMed 40580951 (cited by Ambry Genetics).